The following is an entry in ClinVar:

ClinVar aggregate classification (germline): Benign/Likely benign. Review status: criteria provided, multiple submitters, no conflicts (2 of 4 stars). 2 submissions from 2 submitters: Benign (1); Likely benign (1). Last evaluated 2024-04-15.

Conditions:
Familial adenomatous polyposis 1 (FAP1). Also called: POLYPOSIS, ADENOMATOUS INTESTINAL; FAMILIAL ADENOMATOUS POLYPOSIS 1, ATTENUATED. Identifiers: MedGen C2713442, MONDO:0021056, OMIM 175100. Disease mechanism: loss of function.

Submissions (2):

Labcorp Genetics (formerly Invitae), Labcorp
Classification: Likely benign for Familial adenomatous polyposis 1. Last evaluated: 2024-04-15. Review status: criteria provided, single submitter. Criteria: Invitae Variant Classification Sherloc (09022015). Collection method: clinical testing. Allele origin: germline.

Myriad Genetics, Inc.
Classification: Benign for Familial adenomatous polyposis 1. Last evaluated: 2024-03-28. Review status: criteria provided, single submitter. Criteria: Myriad Autosomal Dominant, Autosomal Recessive and X-Linked Classification Criteria (2023). Collection method: clinical testing. Allele origin: unknown.
Comment: This variant is considered benign. This variant is a silent/synonymous amino acid change and it is not expected to impact splicing.

NM_000038.6(APC):c.4917A>T (p.Pro1639=)

Gene: APC (APC regulator of Wnt signaling pathway; plus strand). Cytogenetic location: 5q22.2.
Variant type: single nucleotide variant.
Coding change: c.4917A>T on transcript NM_000038.6 (MANE Select); coding-DNA position 4917, A replaced by T.
Protein change: p.Pro1639=; no amino-acid change (proline 1639 retained).
Molecular consequence: synonymous variant. On other transcripts: non-coding transcript variant (2).
Genome position (GRCh38, 1-based): chr5:112,840,511, A>T. VCF-style: chr5-112840511-A-T. GRCh37 (hg19) VCF-style: chr5-112176208-A-T.
Other names: c.4917A>T, p.Pro1639= (NM_001127510.3, NM_001354895.2, NM_001407450.1); c.4863A>T, p.Pro1621= (NM_001127511.3); c.4971A>T, p.Pro1657= (NM_001354896.2, NM_001407447.1, NM_001407448.1 and 1 more transcripts); c.4947A>T, p.Pro1649= (NM_001354897.2); c.4842A>T, p.Pro1614= (NM_001354898.2); c.4833A>T, p.Pro1611= (NM_001354899.2); c.4794A>T, p.Pro1598= (NM_001354900.2); c.4740A>T, p.Pro1580= (NM_001354901.2, NM_001407453.1); and 11 more.
Identifiers: ClinVar variation 3148833 (VCV003148833.3), dbSNP rs1375316248, ClinGen allele CA446208691.
Genomic context (GRCh38, chr5:112,840,511, plus strand): 5'-ATCACAAAACAGGTTGCAACCCCAAAAGCATGTTAGTTTTACACCGGGGGATGATATGCC[A>T]CGGGTGTATTGTGTTGAAGGGACACCTATAAACTTTTCCACAGCTACATCTCTAAGTGAT-3'
Protein context (NP_000029.2, residues 1629-1649): HVSFTPGDDM[Pro1639=]RVYCVEGTPI